The following is an entry in ClinVar:

ClinVar aggregate classification (germline): Uncertain significance. Review status: criteria provided, multiple submitters, no conflicts (2 of 4 stars). 2 submissions from 2 submitters: Uncertain significance (2). Last evaluated 2025-09-23.

Allele frequency attached by ClinVar (database versions not stated): 1000 Genomes Project 30x 0.00016; 1000 Genomes Project 0.00020; ESP Exome Variant Server 0.00038; gnomAD 0.00048; TOPMed 0.00060.
gnomAD v4.1: 446 of 1,614,110 alleles (0.028%); highest among the groups gnomAD compares: Middle Eastern, 0.15%; 1 homozygote.

Submissions (2):

Labcorp Genetics (formerly Invitae), Labcorp
Classification: Uncertain significance. Last evaluated: 2025-09-23. Review status: criteria provided, single submitter. Criteria: Invitae Variant Classification Sherloc (09022015). Collection method: clinical testing. Allele origin: germline.
Comment: This sequence change replaces alanine, which is neutral and non-polar, with threonine, which is neutral and polar, at codon 330 of the SERPINB8 protein (p.Ala330Thr). This variant is present in population databases (rs140176524, gnomAD 0.04%). This variant has not been reported in the literature in individuals affected with SERPINB8-related conditions. ClinVar contains an entry for this variant (Variation ID: 2152790). Invitae Evidence Modeling of protein sequence and biophysical properties (such as structural, functional, and spatial information, amino acid conservation, physicochemical variation, residue mobility, and thermodynamic stability) indicates that this missense variant is not expected to disrupt SERPINB8 protein function with a negative predictive value of 80%. In summary, the available evidence is currently insufficient to determine the role of this variant in disease. Therefore, it has been classified as a Variant of Uncertain Significance.

Ambry Genetics
Classification: Uncertain significance. Last evaluated: 2021-06-23. Review status: criteria provided, single submitter. Criteria: Ambry Variant Classification Scheme 2023. Collection method: clinical testing. Allele origin: germline.

NM_002640.4(SERPINB8):c.988G>A (p.Ala330Thr)

Gene: SERPINB8 (serpin family B member 8; plus strand). Cytogenetic location: 18q22.1.
Variant type: single nucleotide variant.
Coding change: c.988G>A on transcript NM_002640.4 (MANE Select); coding-DNA position 988, G replaced by A.
Protein change: p.Ala330Thr; replaces alanine 330 with threonine.
Molecular consequence: missense variant. On other transcripts: 3 prime UTR variant (2), non-coding transcript variant (1), intron variant (1).
Genome position (GRCh38, 1-based): chr18:63,987,141, G>A. VCF-style: chr18-63987141-G-A. GRCh37 (hg19) VCF-style: chr18-61654375-G-A.
Other names: c.442G>A, p.Ala148Thr (NM_001276490.2); c.*155G>A (NM_001348368.2, NM_001348369.2); c.448G>A, p.Ala150Thr (NM_001348370.2); c.988G>A, p.Ala330Thr (NM_001366198.1, NM_198833.2); c.720+1896G>A (NM_001348367.2); c.988G>A (NM_198833.1); short protein forms A150T, A148T, A330T.
Identifiers: ClinVar variation 2152790 (VCV002152790.5), dbSNP rs140176524, ClinGen allele CA8990923.